The following is an entry in ClinVar:

NM_024408.4(NOTCH2):c.2294C>T (p.Pro765Leu)

Gene: NOTCH2 (notch receptor 2; minus strand). Cytogenetic location: 1p12.
Variant type: single nucleotide variant.
Coding change: c.2294C>T on transcript NM_024408.4 (MANE Select); coding-DNA position 2294, C replaced by T.
Protein change: p.Pro765Leu; replaces proline 765 with leucine.
Molecular consequence: missense variant.
Genome position (GRCh38, 1-based): chr1:119,953,614, G>A on the plus strand (C>T on the coding strand, the complement: NOTCH2 is on the minus strand). VCF-style: chr1-119953614-G-A. GRCh37 (hg19) VCF-style: chr1-120496237-G-A.
Other names: c.2294C>T, p.Pro765Leu (NM_001200001.2); short protein forms P765L.
Identifiers: ClinVar variation 1930474 (VCV001930474.5), dbSNP rs2101122267, ClinGen allele CA341864370.
Genomic context (GRCh38, chr1:119,953,614, plus strand): 5'-TTCTTGCAAGTACACCTGTATCCATTCACCAGATTGTCACAAGTTCCTCCATTCTGGCAT[G>A]GATTCGAAAGGCATTCATTTTTGTCCACTTCACAGTTGATGCCAACCCAGCCTGCATCAC-3'
Protein context (NP_077719.2, residues 755-775): EVDKNECLSN[Pro765Leu]CQNGGTCDNL

ClinVar aggregate classification (germline): Uncertain significance (1 of 4 stars; one submission).

Conditions:
Hajdu-Cheney syndrome (HJCYS). Also called: Acroosteolysis dominant type; ACROOSTEOLYSIS WITH OSTEOPOROSIS AND CHANGES IN SKULL AND MANDIBLE; SERPENTINE FIBULA-POLYCYSTIC KIDNEY SYNDROME. Identifiers: Orphanet 955, MedGen C0917715, MONDO:0007057, OMIM 102500.

Submission:

Labcorp Genetics (formerly Invitae), Labcorp
Classification: Uncertain significance for Hajdu-Cheney syndrome. Last evaluated: 2024-02-23. Review status: criteria provided, single submitter. Criteria: Invitae Variant Classification Sherloc (09022015). Collection method: clinical testing. Allele origin: germline.
Comment: This sequence change replaces proline, which is neutral and non-polar, with leucine, which is neutral and non-polar, at codon 765 of the NOTCH2 protein (p.Pro765Leu). This variant is not present in population databases (gnomAD no frequency). This variant has not been reported in the literature in individuals affected with NOTCH2-related conditions. ClinVar contains an entry for this variant (Variation ID: 1930474). Advanced modeling of protein sequence and biophysical properties (such as structural, functional, and spatial information, amino acid conservation, physicochemical variation, residue mobility, and thermodynamic stability) performed at Invitae indicates that this missense variant is expected to disrupt NOTCH2 protein function with a positive predictive value of 80%. In summary, the available evidence is currently insufficient to determine the role of this variant in disease. Therefore, it has been classified as a Variant of Uncertain Significance.